The following is an entry in ClinVar:

NM_022051.3(EGLN1):c.598C>T (p.Pro200Ser)

Gene: EGLN1 (egl-9 family hypoxia inducible factor 1; minus strand). Cytogenetic location: 1q42.2.
Variant type: single nucleotide variant.
Coding change: c.598C>T on transcript NM_022051.3 (MANE Select); coding-DNA position 598, C replaced by T.
Protein change: p.Pro200Ser; replaces proline 200 with serine.
Molecular consequence: missense variant.
Genome position (GRCh38, 1-based): chr1:231,421,291, G>A on the plus strand (C>T on the coding strand, the complement: EGLN1 is on the minus strand). VCF-style: chr1-231421291-G-A. GRCh37 (hg19) VCF-style: chr1-231557037-G-A.
Other names: c.598C>T, p.Pro200Ser (NM_001377260.1, NM_001377261.1); short protein forms P200S.
Identifiers: ClinVar variation 1750883 (VCV001750883.4), dbSNP rs980064849, ClinGen allele CA38948590.

ClinVar aggregate classification (germline): Uncertain significance (1 of 4 stars; one submission).

Allele frequency attached by ClinVar (database versions not stated): TOPMed below 0.00001; gnomAD 0.00001; gnomAD exomes 0.00001.

Submission:

Ambry Genetics
Classification: Uncertain significance. Last evaluated: 2025-06-16. Review status: criteria provided, single submitter. Criteria: Ambry Variant Classification Scheme 2023. Collection method: clinical testing. Allele origin: germline.
Comment: The p.P200S variant (also known as c.598C>T), located in coding exon 1 of the EGLN1 gene, results from a C to T substitution at nucleotide position 598. The proline at codon 200 is replaced by serine, an amino acid with similar properties. This amino acid position is highly conserved in available vertebrate species. In addition, this alteration is predicted to be tolerated by in silico analysis. Since supporting evidence is limited at this time, the clinical significance of this alteration remains unclear.